The following is an entry in ClinVar:

ClinVar aggregate classification (germline): Uncertain significance. Review status: criteria provided, multiple submitters, no conflicts (2 of 4 stars). 3 submissions from 3 submitters: Uncertain significance (3). Last evaluated 2024-03-20.

Conditions:
Noonan syndrome 9 (NS9). Identifiers: Orphanet 648, MedGen C4225282, MONDO:0014691, OMIM 616559.

Allele frequency attached by ClinVar (database versions not stated): gnomAD exomes below 0.00001; TOPMed 0.00001.
gnomAD v4.1: 1 of 1,611,748 alleles (0.000062%); highest among the groups gnomAD compares: Non-Finnish European, 0.000085%; no homozygotes.

Submissions (3):

Labcorp Genetics (formerly Invitae), Labcorp
Classification: Uncertain significance for Noonan syndrome 9. Last evaluated: 2024-03-20. Review status: criteria provided, single submitter. Criteria: Invitae Variant Classification Sherloc (09022015). Collection method: clinical testing. Allele origin: germline.
Comment: This sequence change falls in intron 20 of the SOS2 gene. It does not directly change the encoded amino acid sequence of the SOS2 protein. It affects a nucleotide within the consensus splice site. This variant is present in population databases (no rsID available, gnomAD 0.0009%). This variant has not been reported in the literature in individuals affected with SOS2-related conditions. ClinVar contains an entry for this variant (Variation ID: 928962). Variants that disrupt the consensus splice site are a relatively common cause of aberrant splicing (PMID: 17576681, 9536098). Algorithms developed to predict the effect of sequence changes on RNA splicing suggest that this variant is not likely to affect RNA splicing. In summary, the available evidence is currently insufficient to determine the role of this variant in disease. Therefore, it has been classified as a Variant of Uncertain Significance.

Women's Health and Genetics/Laboratory Corporation of America, LabCorp
Classification: Uncertain significance. Last evaluated: 2019-10-21. Review status: criteria provided, single submitter. Criteria: LabCorp Variant Classification Summary - May 2015. Collection method: clinical testing. Allele origin: germline.
Comment: Variant summary: SOS2 c.3337+4A>G alters a non-conserved nucleotide located close to a canonical splice site and therefore could affect mRNA splicing, leading to a significantly altered protein sequence. Several computation tools assessing splicing impact had conflicting predictions: 3/5 predict that the variant creates or strengthens a crytpic 5' donor site, while 2/5 computational tools predict no significant impact on splicing. These predictions have yet to be confirmed by functional studies. The variant allele was found at a frequency of 4e-06 in 249120 control chromosomes (gnomAD). The available data on variant occurrences in the general population are insufficient to allow any conclusion about variant significance. To our knowledge, no occurrence of c.3337+4A>G in individuals affected with Noonan Syndrome and Related Conditions and no experimental evidence demonstrating its impact on protein function have been reported. No clinical diagnostic laboratories have submitted clinical-significance assessments for this variant to ClinVar after 2014. Based on the evidence outlined above, the variant was classified as uncertain significance.

Genome-Nilou Lab
Classification: Uncertain significance for Noonan syndrome 9. Review status: criteria provided, single submitter. Criteria: ACMG Guidelines, 2015. Collection method: clinical testing. Allele origin: germline.

Literature cited by the submitters: PubMed 17576681 (cited by Labcorp Genetics (formerly Invitae), Labcorp); PubMed 9536098 (cited by Labcorp Genetics (formerly Invitae), Labcorp).

NM_006939.4(SOS2):c.3337+4A>G

Gene: SOS2 (SOS Ras/Rho guanine nucleotide exchange factor 2; minus strand). Cytogenetic location: 14q21.3.
Variant type: single nucleotide variant.
Coding change: c.3337+4A>G on transcript NM_006939.4 (MANE Select); 4 bases into the intron after coding-DNA position 3337, A replaced by G.
Molecular consequence: intron variant.
Genome position (GRCh38, 1-based): chr14:50,130,497, T>C on the plus strand (A>G on the coding strand, the complement: SOS2 is on the minus strand). VCF-style: chr14-50130497-T-C. GRCh37 (hg19) VCF-style: chr14-50597215-T-C.
Identifiers: ClinVar variation 928962 (VCV000928962.7), dbSNP rs924531063, ClinGen allele CA260713889.
Genomic context (GRCh38, chr14:50,130,497, plus strand): 5'-ATGATAAGAATTATCTGAGACACAGGATTCCTTTTTTACCAAGCGGTTTACATCAAATAC[T>C]TACCACAGGAGCTGTTGAGATCCACATCTAAAAATACACTAAGGTCTGAAGAAGCAGATA-3'